The following is an entry in ClinVar:

ClinVar aggregate classification (germline): Uncertain significance (1 of 4 stars; one submission).

Allele frequency attached by ClinVar (database versions not stated): ExAC 0.00001.
gnomAD v4.1: 1 of 1,614,030 alleles (0.000062%); highest among the groups gnomAD compares: Non-Finnish European, 0.000085%; no homozygotes.

Submission:

Labcorp Genetics (formerly Invitae), Labcorp
Classification: Uncertain significance. Last evaluated: 2022-05-28. Review status: criteria provided, single submitter. Criteria: Invitae Variant Classification Sherloc (09022015). Collection method: clinical testing. Allele origin: germline.
Comment: This sequence change replaces proline, which is neutral and non-polar, with alanine, which is neutral and non-polar, at codon 656 of the CNNM4 protein (p.Pro656Ala). This variant is present in population databases (rs778797812, gnomAD 0.0009%). This variant has not been reported in the literature in individuals affected with CNNM4-related conditions. Algorithms developed to predict the effect of missense changes on protein structure and function output the following: SIFT: "Tolerated"; PolyPhen-2: "Benign"; Align-GVGD: "Class C0". The alanine amino acid residue is found in multiple mammalian species, which suggests that this missense change does not adversely affect protein function. In summary, the available evidence is currently insufficient to determine the role of this variant in disease. Therefore, it has been classified as a Variant of Uncertain Significance.

NM_020184.4(CNNM4):c.1966C>G (p.Pro656Ala)

Gene: CNNM4 (cyclin and CBS domain divalent metal cation transport mediator 4; plus strand). Cytogenetic location: 2q11.2.
Variant type: single nucleotide variant.
Coding change: c.1966C>G on transcript NM_020184.4 (MANE Select); coding-DNA position 1966, C replaced by G.
Protein change: p.Pro656Ala; replaces proline 656 with alanine.
Molecular consequence: missense variant.
Genome position (GRCh38, 1-based): chr2:96,808,578, C>G. VCF-style: chr2-96808578-C-G. GRCh37 (hg19) VCF-style: chr2-97474315-C-G.
Other names: short protein forms P656A.
Identifiers: ClinVar variation 2094169 (VCV002094169.4), dbSNP rs778797812, ClinGen allele CA1783535.